The following is an entry in ClinVar:

NM_024101.7(MLPH):c.966C>T (p.His322=)

Gene: MLPH (melanophilin; plus strand). Cytogenetic location: 2q37.3.
Variant type: single nucleotide variant.
Coding change: c.966C>T on transcript NM_024101.7 (MANE Select); coding-DNA position 966, C replaced by T.
Protein change: p.His322=; no amino-acid change (histidine 322 retained).
Molecular consequence: synonymous variant. On other transcripts: non-coding transcript variant (1), intron variant (1).
Genome position (GRCh38, 1-based): chr2:237,527,462, C>T. VCF-style: chr2-237527462-C-T. GRCh37 (hg19) VCF-style: chr2-238436105-C-T.
Other names: c.966C>T, p.His322= (NM_001042467.3); c.846C>T, p.His282= (NM_001281473.2); c.675+7433C>T (NM_001281474.2); c.966C>T (NM_024101.6).
Identifiers: ClinVar variation 2652054 (VCV002652054.28), dbSNP rs75980625, ClinGen allele CA2190418.

ClinVar aggregate classification (germline): Benign/Likely benign. Review status: criteria provided, multiple submitters, no conflicts (2 of 4 stars). 3 submissions from 3 submitters: Benign (2); Likely benign (1). Last evaluated 2025-09-15.

Conditions:
MLPH-related disorder. Also called: MLPH-related condition.

Allele frequency attached by ClinVar (database versions not stated): ESP Exome Variant Server 0.00031; TOPMed 0.00034; gnomAD exomes 0.00162; 1000 Genomes Project 30x 0.00281; ExAC 0.00311; gnomAD 0.00316; 1000 Genomes Project 0.00319.
gnomAD v4.1: 2,834 of 1,614,190 alleles (0.18%); highest among the groups gnomAD compares: East Asian, 0.93%; 38 homozygotes.

Submissions (3):

Labcorp Genetics (formerly Invitae), Labcorp
Classification: Benign. Last evaluated: 2025-09-15. Review status: criteria provided, single submitter. Criteria: Invitae Variant Classification Sherloc (09022015). Collection method: clinical testing. Allele origin: germline.

PreventionGenetics, part of Exact Sciences
Classification: Benign for MLPH-related condition. Last evaluated: 2025-07-16. Review status: criteria provided, single submitter. Criteria: ACMG Guidelines, 2015. Collection method: clinical testing. Allele origin: germline.
Comment: This variant is classified as benign based on ACMG/AMP sequence variant interpretation guidelines (Richards et al. 2015 PMID: 25741868, with internal and published modifications).

CeGaT Center for Human Genetics Tuebingen
Classification: Likely benign. Last evaluated: 2022-12-01. Review status: criteria provided, single submitter. Criteria: CeGaT Center For Human Genetics Tuebingen Variant Classification Criteria Version 2. Collection method: clinical testing. Allele origin: germline. Affected: yes. Observed: 1 variant allele.
Comment: MLPH: BP4, BP7, BS2